The following is an entry in ClinVar:

NM_000827.4(GRIA1):c.468C>T (p.Ser156=)

Gene: GRIA1 (glutamate ionotropic receptor AMPA type subunit 1; plus strand). Cytogenetic location: 5q33.2.
Variant type: single nucleotide variant.
Coding change: c.468C>T on transcript NM_000827.4 (MANE Select); coding-DNA position 468, C replaced by T.
Protein change: p.Ser156=; no amino-acid change (serine 156 retained).
Molecular consequence: synonymous variant. On other transcripts: non-coding transcript variant (2).
Genome position (GRCh38, 1-based): chr5:153,650,337, C>T. VCF-style: chr5-153650337-C-T. GRCh37 (hg19) VCF-style: chr5-153029897-C-T.
Other names: c.468C>T, p.Ser156= (NM_001114183.2, NM_001364165.2); c.228C>T, p.Ser76= (NM_001258019.2); c.183C>T, p.Ser61= (NM_001258020.2); c.498C>T, p.Ser166= (NM_001258021.2, NM_001258022.2); c.261C>T, p.Ser87= (NM_001258023.1, NM_001364167.2); c.495C>T, p.Ser165= (NM_001364166.2).
Identifiers: ClinVar variation 3046682 (VCV003046682.2), dbSNP rs756053811, ClinGen allele CA3524318.

ClinVar aggregate classification (germline): Likely benign (0 of 4 stars; one submission).

Conditions:
GRIA1-related disorder. Also called: GRIA1-related condition.

Allele frequency attached by ClinVar (database versions not stated): 1000 Genomes Project 30x 0.00016.
gnomAD v4.1: 83 of 1,613,260 alleles (0.0051%); highest among the groups gnomAD compares: East Asian, 0.15%; 1 homozygote.

Submission:

PreventionGenetics, part of Exact Sciences
Classification: Likely benign for GRIA1-related condition. Last evaluated: 2019-03-29. Review status: no assertion criteria provided. Collection method: clinical testing. Allele origin: germline.
Comment: This variant is classified as likely benign based on ACMG/AMP sequence variant interpretation guidelines (Richards et al. 2015 PMID: 25741868, with internal and published modifications).